The following is an entry in ClinVar:

NM_001173393.3(HAVCR1):c.621T>G (p.Thr207=)

Gene: HAVCR1 (hepatitis A virus cellular receptor 1; minus strand). Cytogenetic location: 5q33.3.
Variant type: single nucleotide variant.
Coding change: c.621T>G on transcript NM_001173393.3 (MANE Select); coding-DNA position 621, T replaced by G.
Protein change: p.Thr207=; no amino-acid change (threonine 207 retained).
Molecular consequence: synonymous variant.
Genome position (GRCh38, 1-based): chr5:157,052,413, A>C on the plus strand (T>G on the coding strand, the complement: HAVCR1 is on the minus strand). VCF-style: chr5-157052413-A-C. GRCh37 (hg19) VCF-style: chr5-156479424-A-C.
Other names: c.621T>G, p.Thr207= (NM_001308156.2, NM_012206.3).
Identifiers: ClinVar variation 3059346 (VCV003059346.2), dbSNP rs1553317, ClinGen allele CA3531529.

ClinVar aggregate classification (germline): Benign (0 of 4 stars; one submission).

Conditions:
HAVCR1-related disorder. Also called: HAVCR1-related condition.

Allele frequency attached by ClinVar (database versions not stated): ESP Exome Variant Server 0.85492; gnomAD 0.86795; TOPMed 0.87285; 1000 Genomes Project 30x 0.91146; 1000 Genomes Project 0.91274.
gnomAD v4.1: 1,383,080 of 1,613,720 alleles (86%); highest among the groups gnomAD compares: East Asian, 98%; 594,257 homozygotes.

Submission:

PreventionGenetics, part of Exact Sciences
Classification: Benign for HAVCR1-related condition. Last evaluated: 2019-10-17. Review status: no assertion criteria provided. Collection method: clinical testing. Allele origin: germline.
Comment: This variant is classified as benign based on ACMG/AMP sequence variant interpretation guidelines (Richards et al. 2015 PMID: 25741868, with internal and published modifications).